The following is an entry in ClinVar:

ClinVar aggregate classification (germline): Uncertain significance (1 of 4 stars; one submission).

Conditions:
Costello syndrome (CSTLO). Also called: FACIOCUTANEOSKELETAL SYNDROME; HRAS-Related Costello Syndrome; FCS SYNDROME. Identifiers: Orphanet 3071, MedGen C0587248, MONDO:0009026, OMIM 218040.

Submission:

Labcorp Genetics (formerly Invitae), Labcorp
Classification: Uncertain significance for Costello syndrome. Last evaluated: 2023-12-29. Review status: criteria provided, single submitter. Criteria: Invitae Variant Classification Sherloc (09022015). Collection method: clinical testing. Allele origin: unknown.
Comment: This variant results in a copy number gain of the genomic region encompassing exon(s) 1-5 of the HRAS gene. This region includes the initiator codon of the gene. This copy number gain extends beyond the assayed region for this gene and therefore may encompass additional genes. As the precise location of this event is unknown, it may be in tandem or it may be located elsewhere in the genome. This variant has not been reported in the literature in individuals affected with HRAS-related conditions. In summary, the available evidence is currently insufficient to determine the role of this variant in disease. Therefore, it has been classified as a Variant of Uncertain Significance.

NC_000011.9:g.(?_532636)_(824862_?)dup

Genes: CDHR5 (cadherin related family member 5; minus strand), CEND1 (cell cycle exit and neuronal differentiation 1; minus strand), DEAF1 (DEAF1 transcription factor; minus strand), DRD4 (dopamine receptor D4; plus strand), EPS8L2 (EPS8 signaling adaptor L2; plus strand) and 17 more. Cytogenetic location: 11p15.5.
Variant type: Duplication.
Identifiers: ClinVar variation 3244591 (VCV003244591.1).